The following is an entry in ClinVar:

ClinVar aggregate classification (germline): Uncertain significance (1 of 4 stars; one submission).

Conditions:
Anauxetic dysplasia. Identifiers: Orphanet 93347, MedGen C1846796, MONDO:0011773.

gnomAD v4.1: 2 of 699,424 alleles (0.00029%); highest among the groups gnomAD compares: Admixed American, 0.002%; no homozygotes.

Submission:

Labcorp Genetics (formerly Invitae), Labcorp
Classification: Uncertain significance for Anauxetic dysplasia. Last evaluated: 2022-07-12. Review status: criteria provided, single submitter. Criteria: Invitae Variant Classification Sherloc (09022015). Collection method: clinical testing. Allele origin: germline.
Comment: ClinVar contains an entry for this variant (Variation ID: 1375762). In summary, the available evidence is currently insufficient to determine the role of this variant in disease. Therefore, it has been classified as a Variant of Uncertain Significance. Experimental studies and prediction algorithms are not available or were not evaluated, and the functional significance of this variant is currently unknown. This variant has not been reported in the literature in individuals affected with RMRP-related conditions. This variant is not present in population databases (gnomAD no frequency). This variant occurs in the RMRP gene, which encodes an RNA molecule that does not result in a protein product.

NC_000009.12:g.35657792A>G

Gene: RMRP (RNA component of mitochondrial RNA processing endoribonuclease; minus strand). Cytogenetic location: 9p13.3.
Variant type: single nucleotide variant.
Genome position: GRCh38 VCF-style: chr9-35657792-A-G. GRCh37 (hg19) VCF-style: chr9-35657789-A-G.
Identifiers: ClinVar variation 1375762 (VCV001375762.6), dbSNP rs2131808028, ClinGen allele CA464450408.
Genomic context (GRCh38, chr9:35,657,792, plus strand): 5'-GTGGTCTCGGGAACAAAAAACAGCCGCGCTGAGAATGAGCCCCGTGTGGTTGGTGCGCGG[A>G]CACGCACTGCCTGCGTAACTAGAGGGAGCTGACGGATGACGCCCCCGCGCCACGCCGCTC-3'